The following is an entry in ClinVar:

ClinVar aggregate classification (germline): Conflicting classifications of pathogenicity. Review status: criteria provided, conflicting classifications (1 of 4 stars). 2 submissions from 2 submitters: Uncertain significance (1); Likely benign (1). Last evaluated 2025-12-08.

Conditions:
Mucolipidosis type IV (ML4). Also called: ML IV. Identifiers: Orphanet 578, MedGen C0238286, MONDO:0009653, OMIM 252650.
Inborn genetic diseases. Identifiers: MedGen C0950123, MeSH D030342.

Allele frequency attached by ClinVar (database versions not stated): ExAC 0.00002; gnomAD exomes 0.00002 and 0.00003; TOPMed 0.00007; ESP Exome Variant Server 0.00008; gnomAD 0.00009 and 0.00010.
gnomAD v4.1: 38 of 1,614,006 alleles (0.0024%); highest among the groups gnomAD compares: African/African-American, 0.019%; no homozygotes.

Submissions (2):

Labcorp Genetics (formerly Invitae), Labcorp
Classification: Likely benign for Mucolipidosis type IV. Last evaluated: 2025-12-08. Review status: criteria provided, single submitter. Criteria: Invitae Variant Classification Sherloc (09022015). Collection method: clinical testing. Allele origin: germline.

Ambry Genetics
Classification: Uncertain significance for Inborn genetic diseases. Last evaluated: 2024-11-10. Review status: criteria provided, single submitter. Criteria: Ambry Variant Classification Scheme 2023. Collection method: clinical testing. Allele origin: germline.
Comment: The p.R236W variant (also known as c.706C>T), located in coding exon 6 of the MCOLN1 gene, results from a C to T substitution at nucleotide position 706. The arginine at codon 236 is replaced by tryptophan, an amino acid with dissimilar properties. This amino acid position is conserved. In addition, this alteration is predicted to be tolerated by in silico analysis. Based on the available evidence, the clinical significance of this variant remains unclear.

NM_020533.3(MCOLN1):c.706C>T (p.Arg236Trp)

Gene: MCOLN1 (mucolipin TRP cation channel 1; plus strand). Cytogenetic location: 19p13.2.
Variant type: single nucleotide variant.
Coding change: c.706C>T on transcript NM_020533.3 (MANE Select); coding-DNA position 706, C replaced by T.
Protein change: p.Arg236Trp; replaces arginine 236 with tryptophan.
Molecular consequence: missense variant.
Genome position (GRCh38, 1-based): chr19:7,527,889, C>T. VCF-style: chr19-7527889-C-T. GRCh37 (hg19) VCF-style: chr19-7592775-C-T.
Other names: c.706C>T (NM_020533.2); short protein forms R236W.
Identifiers: ClinVar variation 1433051 (VCV001433051.8), dbSNP rs371667920, ClinGen allele CA9138880.